The following is an entry in ClinVar:

NM_012210.4(TRIM32):c.127A>T (p.Ile43Phe)

Genes: ASTN2 (astrotactin 2; minus strand), TRIM32 (tripartite motif containing 32; plus strand). Cytogenetic location: 9q33.1.
Variant type: single nucleotide variant.
Coding change: c.127A>T on transcript NM_012210.4 (MANE Select); coding-DNA position 127, A replaced by T.
Protein change: p.Ile43Phe; replaces isoleucine 43 with phenylalanine.
Molecular consequence: missense variant. On other transcripts: intron variant (3).
Genome position (GRCh38, 1-based): chr9:116,697,869, A>T. VCF-style: chr9-116697869-A-T. GRCh37 (hg19) VCF-style: chr9-119460148-A-T.
Other names: c.127A>T, p.Ile43Phe (NM_001099679.2, NM_001379048.1, NM_001379049.1 and 1 more transcripts); c.2653+27902T>A (NM_014010.5); c.2794+27902T>A (NM_001365069.1); c.2806+27902T>A (NM_001365068.1); short protein forms I43F.
Identifiers: ClinVar variation 5002597 (VCV005002597.1).
Genomic context (GRCh38, chr9:116,697,869, plus strand): 5'-TGCATGGAGTCCTTCACAGAAGAGCAGCTGCGTCCCAAGCTTCTGCACTGTGGCCATACC[A>T]TCTGCCGCCAGTGCCTGGAGAAGCTATTGGCCAGTAGCATCAATGGTGTCCGCTGTCCCT-3'
Protein context (NP_036342.2, residues 33-53): RPKLLHCGHT[Ile43Phe]CRQCLEKLLA

ClinVar aggregate classification (germline): Uncertain significance (1 of 4 stars; one submission).

Conditions:
TRIM32-related disorder. Also called: TRIM32-related condition.

Submission:

PreventionGenetics, part of Exact Sciences
Classification: Uncertain significance for TRIM32-related condition. Last evaluated: 2025-07-31. Review status: criteria provided, single submitter. Criteria: ACMG Guidelines, 2015. Collection method: clinical testing. Allele origin: germline.
Comment: The TRIM32 c.127A>T variant is predicted to result in the amino acid substitution p.Ile43Phe. To our knowledge, this variant has not been reported in the literature or in a large population database (gnomAD), indicating this variant is rare. At this time, the clinical significance of this variant is uncertain due to the absence of conclusive functional and genetic evidence.